The following is an entry in ClinVar:

NM_001987.5(ETV6):c.512A>G (p.His171Arg)

Gene: ETV6 (ETS variant transcription factor 6; plus strand). Cytogenetic location: 12p13.2.
Variant type: single nucleotide variant.
Coding change: c.512A>G on transcript NM_001987.5 (MANE Select); coding-DNA position 512, A replaced by G.
Protein change: p.His171Arg; replaces histidine 171 with arginine.
Molecular consequence: missense variant.
Genome position (GRCh38, 1-based): chr12:11,869,472, A>G. VCF-style: chr12-11869472-A-G. GRCh37 (hg19) VCF-style: chr12-12022406-A-G.
Other names: c.509A>G, p.His170Arg (NM_001413913.1); c.485A>G, p.His162Arg (NM_001413914.1); c.248A>G, p.His83Arg (NM_001413915.1); c.512A>G, p.His171Arg (NM_001413916.1, NM_001413917.1); short protein forms H171R, H162R, H170R, H83R.
Identifiers: ClinVar variation 4826545 (VCV004826545.1).

ClinVar aggregate classification (germline): Uncertain significance (1 of 4 stars; one submission).

Conditions:
Inborn genetic diseases. Identifiers: MedGen C0950123, MeSH D030342.

Submission:

Ambry Genetics
Classification: Uncertain significance for Inborn genetic diseases. Last evaluated: 2026-02-25. Review status: criteria provided, single submitter. Criteria: Ambry Variant Classification Scheme 2023. Collection method: clinical testing. Allele origin: germline.
Comment: The p.H171R variant (also known as c.512A>G), located in coding exon 5 of the ETV6 gene, results from an A to G substitution at nucleotide position 512. The histidine at codon 171 is replaced by arginine, an amino acid with highly similar properties. This amino acid position is conserved. In addition, this alteration is predicted to be tolerated by in silico analysis. Based on the available evidence, the clinical significance of this variant remains unclear.